The following is an entry in ClinVar:

NM_003126.4(SPTA1):c.4711T>G (p.Cys1571Gly)

Gene: SPTA1 (spectrin alpha, erythrocytic 1; minus strand). Cytogenetic location: 1q23.1.
Variant type: single nucleotide variant.
Coding change: c.4711T>G on transcript NM_003126.4 (MANE Select); coding-DNA position 4711, T replaced by G.
Protein change: p.Cys1571Gly; replaces cysteine 1571 with glycine.
Molecular consequence: missense variant.
Genome position (GRCh38, 1-based): chr1:158,642,437, A>C on the plus strand (T>G on the coding strand, the complement: SPTA1 is on the minus strand). VCF-style: chr1-158642437-A-C. GRCh37 (hg19) VCF-style: chr1-158612227-A-C.
Other names: short protein forms C1571G.
Identifiers: ClinVar variation 993702 (VCV000993702.21), dbSNP rs201601992, ClinGen allele CA1182588.

ClinVar aggregate classification (germline): Conflicting classifications of pathogenicity. Review status: criteria provided, conflicting classifications (1 of 4 stars). 5 submissions from 5 submitters: Uncertain significance (4); Benign (1). Last evaluated 2026-09-01.

Allele frequency attached by ClinVar (database versions not stated): gnomAD exomes 0.00008 and 0.00011; ExAC 0.00009; ESP Exome Variant Server 0.00041; gnomAD 0.00046 and 0.00049; TOPMed 0.00049; 1000 Genomes Project 30x 0.00078; 1000 Genomes Project 0.00080.
gnomAD v4.1: 196 of 1,613,550 alleles (0.012%); highest among the groups gnomAD compares: African/African-American, 0.15%; no homozygotes.

Submissions (5):

CeGaT Center for Human Genetics Tuebingen
Classification: Uncertain significance. Last evaluated: 2026-09-01. Review status: criteria provided, single submitter. Criteria: CeGaT Center For Human Genetics Tuebingen Variant Classification Criteria Version 2. Collection method: clinical testing. Allele origin: germline. Affected: yes. Observed: 1 variant allele.

Mayo Clinic Laboratories, Mayo Clinic
Classification: Uncertain significance. Last evaluated: 2025-08-11. Review status: criteria provided, single submitter. Criteria: ACMG Guidelines, 2015. Collection method: clinical testing. Allele origin: germline. Observed: 4 variant alleles.

Labcorp Genetics (formerly Invitae), Labcorp
Classification: Benign. Last evaluated: 2025-08-08. Review status: criteria provided, single submitter. Criteria: Invitae Variant Classification Sherloc (09022015). Collection method: clinical testing. Allele origin: germline.

ARUP Laboratories, Molecular Genetics and Genomics, ARUP Laboratories
Classification: Uncertain significance. Last evaluated: 2025-05-09. Review status: criteria provided, single submitter. Criteria: ARUP Molecular Germline Variant Investigation Process 2024. Collection method: clinical testing. Allele origin: germline.
Comment: The SPTA1 c.4711T>G; p.Cys1571Gly variant, to our knowledge, is not reported in the medical literature but is reported in ClinVar (Variation ID: 993702). This variant is found predominantly in the African/African-American population with an allele frequency of 0.1% (32/24198 alleles) in the Genome Aggregation Database (v2.1.1). Computational analyses are uncertain whether this variant is neutral or deleterious (REVEL: 0.394). Due to limited information, the clinical significance of this variant is uncertain at this time.

Revvity Omics, Revvity
Classification: Uncertain significance. Last evaluated: 2024-09-10. Review status: criteria provided, single submitter. Criteria: ACMG Guidelines, 2015. Collection method: clinical testing. Allele origin: germline.